The following is an entry in ClinVar:

NM_025137.4(SPG11):c.3893-14_3902inv

Gene: SPG11 (SPG11 vesicle trafficking associated, spatacsin; minus strand). Cytogenetic location: 15q21.1.
Variant type: Inversion.
Coding change: c.3893-14_3902inv on transcript NM_025137.4 (MANE Select).
Molecular consequence: splice acceptor variant.
Genome position: GRCh38: chr15:44,598,364-44,598,387. GRCh37 (hg19): chr15:44,890,562-44,890,585.
Other names: c.3893-14_3902inv (NM_001160227.2).
Identifiers: ClinVar variation 2101331 (VCV002101331.4), ClinGen allele CA2580089696.
Genomic context (GRCh38, chr15:44,598,364, plus strand): 5'-TCTTCTAAGAGAACAAGCAATTCTTCTGTGGTTGTCTTTTCACCATCAGCTAGTTTAGAT[AGTTTTTCGGCTGTAAGAAATATA>TATATTTCTTACAGCCGAAAAACT]AACAACAAAATATGGTGAAGAGAAAAAGTCAAAACCTGAGCATTTCTGTTTGAATAGTGT-3'

ClinVar aggregate classification (germline): Likely pathogenic (1 of 4 stars; one submission).

Conditions:
Hereditary spastic paraplegia 11. Also called: Spastic Paraplegia 11; Spastic paraplegia, mental retardation and thin corpus callosum; Nakamura Osame syndrome; Autosomal recessive hereditary spastic paraplegia, mental impairment, and thin corpus callosum; SPASTIC PARAPLEGIA, AUTOSOMAL RECESSIVE, COMPLICATED, WITH THIN CORPUS CALLOSUM; SPASTIC PARAPLEGIA, AUTOSOMAL RECESSIVE, WITH MENTAL IMPAIRMENT AND THIN CORPUS CALLOSUM. Identifiers: Orphanet 2822, MedGen C1858479, MONDO:0011445, OMIM 604360.

Submission:

Labcorp Genetics (formerly Invitae), Labcorp
Classification: Likely pathogenic for Hereditary spastic paraplegia 11. Last evaluated: 2022-02-21. Review status: criteria provided, single submitter. Criteria: Invitae Variant Classification Sherloc (09022015). Collection method: clinical testing. Allele origin: germline.
Comment: In summary, the currently available evidence indicates that the variant is pathogenic, but additional data are needed to prove that conclusively. Therefore, this variant has been classified as Likely Pathogenic. This variant has not been reported in the literature in individuals affected with SPG11-related conditions. This variant is not present in population databases (gnomAD no frequency). This variant results in the deletion of part of exon 23 (c.3893-14_3902delins24) of the SPG11 gene. It is expected to disrupt RNA splicing. Variants that disrupt the donor or acceptor splice site typically lead to a loss of protein function (PMID: 16199547), and loss-of-function variants in SPG11 are known to be pathogenic (PMID: 19105190, 20110243, 22154821, 26556829).

Literature cited by the submitters: PubMed 16199547; PubMed 19105190; PubMed 20110243; PubMed 22154821; PubMed 26556829.